The following continues an entry in ClinVar:

NM_000243.3(MEFV):c.2282G>A (p.Arg761His)

Gene: MEFV. ClinVar aggregate classification (germline): Pathogenic/Likely pathogenic. Pathogenic (28); Likely pathogenic (7).

Submissions 14 to 31 of 41:

Institute of Human Genetics Munich, TUM University Hospital
Classification: Pathogenic for Familial Mediterranean fever. Last evaluated: 2023-09-08. Review status: criteria provided, single submitter. Criteria: Classification criteria August 2017. Collection method: clinical testing. Allele origin: germline. Inheritance: Autosomal recessive inheritance. Affected: yes. Observed: 1 variant allele.

Mendelics
Classification: Pathogenic for Familial Mediterranean fever. Last evaluated: 2023-03-30. Review status: criteria provided, single submitter. Criteria: Mendelics Assertion Criteria 2017. Collection method: clinical testing. Allele origin: unknown.

Department of Pathology and Laboratory Medicine, Sinai Health System
Classification: Pathogenic for Familial Mediterranean fever, autosomal dominant; Acute febrile neutrophilic dermatosis; Familial Mediterranean fever. Last evaluated: 2023-03-29. Review status: criteria provided, single submitter. Criteria: ACMG Guidelines, 2015. Collection method: research. Allele origin: germline.

Laboratory for Molecular Medicine, Mass General Brigham Personalized Medicine
Classification: Pathogenic for Familial Mediterranean fever. Last evaluated: 2022-11-03. Review status: criteria provided, single submitter. Criteria: ACMG Guidelines, 2015. Collection method: clinical testing. Allele origin: germline. Inheritance: Autosomal recessive inheritance.
Comment: The p.Arg761His (NM_000243.2 c.2282G>A) variant in MEFV has been reported in over 20 heterozygous, 10 homozygous, and 50 compound heterozygous individuals with familial Mediterranean fever (FMF) (Bernot 1998 PMID: 9668175, Ece 2015 PMID: 24071932, Salehzadeh 2015 PMID: 25648235, Beheshtian 2016 PMID: 27659338). It has also been reported in ClinVar (Variation ID# 2549), as pathogenic. This variant has been identified in 0.2% (38/18870) of East Asian chromosomes by the Genome Aggregation Database (gnomAD; dbSNP rs104895097). This frequency is low enough to be consistent with a recessive carrier frequency. In summary, the p.Arg761His variant meets criteria to be classified as pathogenic for FMF in an autosomal recessive manner based upon its occurrence in affected individuals. ACMG/AMP criteria applied: PM3_VStrong, PP2.

MGZ Medical Genetics Center
Classification: Pathogenic for Familial Mediterranean fever. Last evaluated: 2022-08-02. Review status: criteria provided, single submitter. Criteria: ACMG Guidelines, 2015. Collection method: clinical testing. Allele origin: germline. Affected: yes. Observed: 3 variant alleles.
Comment: ACMG criteria applied: PM3_VSTR, PS4_MOD, PM5, PM2_SUP

GeneDx
Classification: Pathogenic. Last evaluated: 2022-05-11. Review status: criteria provided, single submitter. Criteria: GeneDx Variant Classification Process June 2021. Collection method: clinical testing. Allele origin: germline. Affected: yes.
Comment: In silico analysis supports that this missense variant does not alter protein structure/function; This variant is associated with the following publications: (PMID: 18496034, 22580583, 23844200, 22953644, 27980538, 28486679, 10090880, 9668175, 23588594, 22975760, 23907647, 18000697, 19934083, 24141617, 10364520, 25727825, 19479870, 18328141, 25232290, 25202401, 24592325, 19863562, 27621632, 25449140, 26351556, 26543317, 30609409, 29543225, 30476289, 31376265, 30783801, 28828621, 34426522, 31589614, 29080837, 27659338, 25648235, 25703702, 25615955, 25393764, 19302049)

Genome Diagnostics Laboratory, The Hospital for Sick Children
Classification: Pathogenic for Autoinflammatory syndrome. Last evaluated: 2022-04-29. Review status: criteria provided, single submitter. Criteria: ACMG Guidelines, 2015. Collection method: clinical testing. Allele origin: germline. Affected: yes.

Institute for Clinical Genetics, University Hospital TU Dresden, University Hospital TU Dresden
Classification: Likely pathogenic. Last evaluated: 2021-11-03. Review status: criteria provided, single submitter. Criteria: ACMG Guidelines, 2015. Collection method: clinical testing. Allele origin: germline.

Ambry Genetics
Classification: Likely pathogenic for Inborn genetic diseases. Last evaluated: 2021-08-13. Review status: criteria provided, single submitter. Criteria: Ambry Variant Classification Scheme 2023. Collection method: clinical testing. Allele origin: germline.
Comment: The c.2282G>A (p.R761H) alteration is located in exon 10 (coding exon 10) of the MEFV gene. This alteration results from a G to A substitution at nucleotide position 2282, causing the arginine (R) at amino acid position 761 to be replaced by a histidine (H)._x000D_ _x000D_ Based on the available evidence, the clinical significance of the MEFV c.2282G>A (p.R761H) alteration is uncertain for autosomal dominant familial Mediterranean fever (FMF); however, this variant is likely pathogenic for autosomal recessive FMF. Based on data from gnomAD, the A allele has an overall frequency of 0.02% (58/282,828) total alleles studied. The highest observed frequency was 0.19% (38/19,954) of East Asian alleles. This alteration has been reported homozygous or compound heterozygous with a second mutation in MEFV in multiple patients with autosomal recessive familial Mediterranean fever (FMF) (Bernot, 1998; Bonyadi, 2009; Ece, 2014; Salehzadeh, 2015). It has also been reported heterozygous in patients with a milder form of FMF (Moradian, 2010; Procopio, 2018). Of these cases, 25% were associated with fever (Procopio, 2018) This amino acid position is not well conserved in available vertebrate species. This alteration is predicted to be tolerated by in silico analysis. Based on the available evidence, this alteration is classified as likely pathogenic.

Fulgent Genetics
Classification: Pathogenic for Familial Mediterranean fever, autosomal dominant; Familial Mediterranean fever; Acute febrile neutrophilic dermatosis. Last evaluated: 2021-06-30. Review status: criteria provided, single submitter. Criteria: ACMG Guidelines, 2015. Collection method: clinical testing. Allele origin: unknown.
Comment: This variant has been detected in individual(s) who were sent for testing of Renasight - kidney gene panel.

Genome-Nilou Lab
Classification: Likely pathogenic for Familial Mediterranean fever. Last evaluated: 2021-05-18. Review status: criteria provided, single submitter. Criteria: ACMG Guidelines, 2015. Collection method: clinical testing. Allele origin: germline. Affected: no.

Institute of Medical Genetics and Applied Genomics, University Hospital Tübingen
Classification: Pathogenic. Last evaluated: 2021-02-01. Review status: criteria provided, single submitter. Criteria: ACMG Guidelines, 2015. Collection method: clinical testing. Allele origin: germline. Inheritance: Autosomal recessive inheritance. Affected: yes.

Myriad Genetics, Inc.
Classification: Pathogenic for Familial Mediterranean fever. Last evaluated: 2019-12-20. Review status: criteria provided, single submitter. Criteria: Myriad Women's Health Autosomal Recessive and X-Linked Classification Criteria (2019). Collection method: clinical testing. Allele origin: unknown.
Comment: NM_000243.2(MEFV):c.2282G>A(R761H) is classified as pathogenic in the context of familial Mediterranean fever. Please note that in the absence of a known personal and/or family history of inflammatory disease, the clinical significance of MEFV mutation status is uncertain. Sources cited for classification include the following: PMID 19863562, 16378925 and 9668175. Classification of NM_000243.2(MEFV):c.2282G>A(R761H) is based on the following criteria: This is a well-established pathogenic variant in the literature that has been observed more frequently in patients with clinical diagnoses than in healthy populations. Please note: this variant was assessed in the context of healthy population screening.

Quest Diagnostics Nichols Institute San Juan Capistrano
Classification: Likely pathogenic. Last evaluated: 2019-02-08. Review status: criteria provided, single submitter. Criteria: Quest Diagnostics criteria. Collection method: clinical testing. Allele origin: germline.
Comment: The best available variant frequency is uninformative. Statistically enriched in patients compared to ethnically matched controls. Found in at least one symptomatic patient. Conflicting predictions of the effect on the protein. Occurs in multiple cases with a recessive pathogenic variant in the same gene.

Fulgent Genetics
Classification: Likely pathogenic for Familial Mediterranean fever, autosomal dominant; Familial Mediterranean fever. Last evaluated: 2018-10-31. Review status: criteria provided, single submitter. Criteria: ACMG Guidelines, 2015. Collection method: clinical testing. Allele origin: unknown.

Genomic Research Center, Shahid Beheshti University of Medical Sciences
Classification: Pathogenic for Familial Mediterranean fever. Last evaluated: 2017-12-03. Review status: criteria provided, single submitter. Criteria: ACMG Guidelines, 2015. Collection method: clinical testing. Allele origin: inherited. Affected: no.

Illumina Laboratory Services, Illumina
Classification: Pathogenic for Familial Mediterranean fever. Last evaluated: 2017-04-27. Review status: criteria provided, single submitter. Criteria: ICSL Variant Classification Criteria 09 May 2019. Collection method: clinical testing. Allele origin: germline.
Comment: Across a selection of available literature, the MEFV c.2282G>A (p.Arg761His) missense variant has been identified in 82 patients with familial Mediterranean fever, including in a homozygous state in seven patients, in a compound heterozygous state in 50 patients, and in a heterozygous state in 25 patients (Bernot A et al. 1998; Bonyadi M et al. 2009; Ece A et al. 2013; Neocleous et al. 2014; Salehzadeh et al. 2015). Moradian et al. (2014) found the p.Arg761His variant at a frequency of 3.46% in a population of 16,000 Armenian familial Mediterranean fever patients, while the frequency of the variant in the control group was 0.20%. The p.Arg761His variant was absent from 99 controls and is reported at a frequency of 0.00231 in the East Asian population of the Exome Aggregation Consortium. Based on the evidence, the p.Arg761His variant is classified as pathogenic for familial Mediterranean fever. This variant was observed by ICSL as part of a predisposition screen in an ostensibly healthy population.

Women's Health and Genetics/Laboratory Corporation of America, LabCorp
Classification: Pathogenic for Familial Mediterranean fever. Last evaluated: 2016-04-28. Review status: criteria provided, single submitter. Criteria: LabCorp Variant Classification Summary - May 2015. Collection method: clinical testing. Allele origin: germline.
Comment: Variant summary: The MEFV c.2282G>A variant affects a non-conserved nucleotide, resulting in amino acid change from Arg to His. 2/4 in-silico tools predict this variant to be deleterious. This variant was found in 28/121772 control chromosomes at a frequency of 0.0002299, which does not exceed maximal expected frequency of a pathogenic MEFV allele (0.0216506). In addition, this variant is considered pathogenic in the literature and has been identified in many FMF patients in homozygous and compound heterozygous state. Taken together, this variant was classified as pathogenic.